The following is an entry in ClinVar:

ClinVar aggregate classification (germline): Uncertain significance (1 of 4 stars; one submission).

gnomAD v4.1: 3 of 1,613,826 alleles (0.00019%); highest among the groups gnomAD compares: Non-Finnish European, 0.00025%; no homozygotes.

Submission:

GeneDx
Classification: Uncertain significance. Last evaluated: 2024-02-23. Review status: criteria provided, single submitter. Criteria: GeneDx Variant Classification Process June 2021. Collection method: clinical testing. Allele origin: germline. Affected: yes.
Comment: Not observed at significant frequency in large population cohorts (gnomAD); In silico analysis supports that this missense variant has a deleterious effect on protein structure/function; Has not been previously published as pathogenic or benign to our knowledge

NM_000410.4(HFE):c.1031T>C (p.Leu344Ser)

Gene: HFE (homeostatic iron regulator; plus strand). Cytogenetic location: 6p22.2.
Variant type: single nucleotide variant.
Coding change: c.1031T>C on transcript NM_000410.4 (MANE Select); coding-DNA position 1031, T replaced by C.
Protein change: p.Leu344Ser; replaces leucine 344 with serine.
Molecular consequence: missense variant. On other transcripts: intron variant (2).
Genome position (GRCh38, 1-based): chr6:26,094,210, T>C. VCF-style: chr6-26094210-T-C. GRCh37 (hg19) VCF-style: chr6-26094438-T-C.
Other names: c.1031T>C, p.Leu344Ser (NM_001384164.1); c.1022T>C, p.Leu341Ser (NM_001406751.1); c.713T>C, p.Leu238Ser (NM_139003.3); c.755T>C, p.Leu252Ser (NM_139004.3); c.989T>C, p.Leu330Ser (NM_139006.3); c.767T>C, p.Leu256Ser (NM_139007.3); c.725T>C, p.Leu242Ser (NM_139008.3); c.962T>C, p.Leu321Ser (NM_139009.3); and 4 more; short protein forms L164S, L238S, L242S, L252S, L256S, L321S, L330S, L341S.
Identifiers: ClinVar variation 3369706 (VCV003369706.1).